The following is an entry in ClinVar:

NM_000257.4(MYH7):c.4646C>A (p.Ala1549Asp)

Genes: MHRT (myosin heavy chain associated RNA transcript; plus strand), MYH7 (myosin heavy chain 7; minus strand), LOC126861897 (BRD4-independent group 4 enhancer GRCh37_chr14:23884455-23885654; plus strand). Cytogenetic location: 14q11.2.
Variant type: single nucleotide variant.
Coding change: c.4646C>A on transcript NM_000257.4 (MANE Select); coding-DNA position 4646, C replaced by A.
Protein change: p.Ala1549Asp; replaces alanine 1549 with aspartic acid.
Molecular consequence: missense variant.
Genome position (GRCh38, 1-based): chr14:23,416,311, G>T on the plus strand (C>A on the coding strand, the complement: MYH7 is on the minus strand). VCF-style: chr14-23416311-G-T. GRCh37 (hg19) VCF-style: chr14-23885520-G-T.
Other names: c.4646C>A, p.Ala1549Asp (NM_001407004.1); short protein forms A1549D.
Identifiers: ClinVar variation 2698681 (VCV002698681.3), dbSNP rs1892208700, ClinGen allele CA389037939.

ClinVar aggregate classification (germline): Likely pathogenic (1 of 4 stars; one submission).

Conditions:
Hypertrophic cardiomyopathy. Also called: HYPERTROPHIC MYOCARDIOPATHY. Identifiers: Orphanet 217569, MedGen C0007194, MeSH D002312, MONDO:0005045, HP:0001639.

Submission:

Labcorp Genetics (formerly Invitae), Labcorp
Classification: Likely pathogenic for Hypertrophic cardiomyopathy. Last evaluated: 2024-02-02. Review status: criteria provided, single submitter. Criteria: Invitae Variant Classification Sherloc (09022015). Collection method: clinical testing. Allele origin: germline.
Comment: This sequence change replaces alanine, which is neutral and non-polar, with aspartic acid, which is acidic and polar, at codon 1549 of the MYH7 protein (p.Ala1549Asp). This variant is not present in population databases (gnomAD no frequency). This missense change has been observed in individual(s) with clinical features of MYH7-related conditions (Invitae). In at least one individual the variant was observed to be de novo. An algorithm developed to predict the effect of missense changes on protein structure and function (PolyPhen-2) suggests that this variant is likely to be disruptive. This variant disrupts the p.Ala1549 amino acid residue in MYH7. Other variant(s) that disrupt this residue have been observed in individuals with MYH7-related conditions (PMID: 27469267), which suggests that this may be a clinically significant amino acid residue. In summary, the currently available evidence indicates that the variant is pathogenic, but additional data are needed to prove that conclusively. Therefore, this variant has been classified as Likely Pathogenic.

Literature cited by the submitters: PubMed 27469267.